The following is an entry in ClinVar:

NM_001105206.3(LAMA4):c.1894A>G (p.Asn632Asp)

Gene: LAMA4 (laminin subunit alpha 4; minus strand). Cytogenetic location: 6q21.
Variant type: single nucleotide variant.
Coding change: c.1894A>G on transcript NM_001105206.3 (MANE Select); coding-DNA position 1894, A replaced by G.
Protein change: p.Asn632Asp; replaces asparagine 632 with aspartic acid.
Molecular consequence: missense variant.
Genome position (GRCh38, 1-based): chr6:112,155,630, T>C on the plus strand (A>G on the coding strand, the complement: LAMA4 is on the minus strand). VCF-style: chr6-112155630-T-C. GRCh37 (hg19) VCF-style: chr6-112476832-T-C.
Other names: c.1873A>G, p.Asn625Asp (NM_001105207.3, NM_002290.5); short protein forms N632D, N625D.
Identifiers: ClinVar variation 3657228 (VCV003657228.2).

ClinVar aggregate classification (germline): Uncertain significance (1 of 4 stars; one submission).

Conditions:
Dilated cardiomyopathy 1JJ (CMD1JJ). Identifiers: Orphanet 154, MedGen C3808935, MONDO:0014095, OMIM 615235.

gnomAD v4.1: 5 of 1,614,032 alleles (0.00031%); highest among the groups gnomAD compares: Non-Finnish European, 0.00042%; no homozygotes.

Submission:

Labcorp Genetics (formerly Invitae), Labcorp
Classification: Uncertain significance for Dilated cardiomyopathy 1JJ. Last evaluated: 2024-06-21. Review status: criteria provided, single submitter. Criteria: Invitae Variant Classification Sherloc (09022015). Collection method: clinical testing. Allele origin: germline.
Comment: This sequence change replaces asparagine, which is neutral and polar, with aspartic acid, which is acidic and polar, at codon 625 of the LAMA4 protein (p.Asn625Asp). This variant is not present in population databases (gnomAD no frequency). This variant has not been reported in the literature in individuals affected with LAMA4-related conditions. An algorithm developed to predict the effect of missense changes on protein structure and function (PolyPhen-2) suggests that this variant is likely to be tolerated. In summary, the available evidence is currently insufficient to determine the role of this variant in disease. Therefore, it has been classified as a Variant of Uncertain Significance.